The following is an entry in ClinVar:

NM_022726.4(ELOVL4):c.428T>C (p.Val143Ala)

Gene: ELOVL4 (ELOVL fatty acid elongase 4; minus strand). Cytogenetic location: 6q14.1.
Variant type: single nucleotide variant.
Coding change: c.428T>C on transcript NM_022726.4 (MANE Select); coding-DNA position 428, T replaced by C.
Protein change: p.Val143Ala; replaces valine 143 with alanine.
Molecular consequence: missense variant.
Genome position (GRCh38, 1-based): chr6:79,921,738, A>G on the plus strand (T>C on the coding strand, the complement: ELOVL4 is on the minus strand). VCF-style: chr6-79921738-A-G. GRCh37 (hg19) VCF-style: chr6-80631455-A-G.
Other names: c.428T>C (NM_022726.3); short protein forms V143A.
Identifiers: ClinVar variation 1349505 (VCV001349505.8), dbSNP rs1209115115, ClinGen allele CA364656687.
Genomic context (GRCh38, chr6:79,921,738, plus strand): 5'-CAGTGATGATACACATGAAGGAAAGAAACTTGGTTGTTTTTCTTTCTCAGAATAAAAAAC[A>G]CTGTGTCCAAATACTCAACTCCTTTAGATACAAAGTACCACCACAGAGCAGCAGCTATCT-3'
Protein context (NP_073563.1, residues 133-153): VSKGVEYLDT[Val143Ala]FFILRKKNNQ

ClinVar aggregate classification (germline): Uncertain significance. Review status: criteria provided, multiple submitters, no conflicts (2 of 4 stars). 2 submissions from 2 submitters: Uncertain significance (2). Last evaluated 2026-06-24.

Conditions:
Inborn genetic diseases. Identifiers: MedGen C0950123, MeSH D030342.

Allele frequency attached by ClinVar (database versions not stated): gnomAD exomes below 0.00001; gnomAD 0.00001; TOPMed 0.00001.
gnomAD v4.1: 4 of 1,614,032 alleles (0.00025%); highest among the groups gnomAD compares: Admixed American, 0.0017%; no homozygotes.

Submissions (2):

Ambry Genetics
Classification: Uncertain significance for Inborn genetic diseases. Last evaluated: 2026-06-24. Review status: criteria provided, single submitter. Criteria: Ambry Variant Classification Scheme 2023. Collection method: clinical testing. Allele origin: germline.

Labcorp Genetics (formerly Invitae), Labcorp
Classification: Uncertain significance. Last evaluated: 2025-09-30. Review status: criteria provided, single submitter. Criteria: Invitae Variant Classification Sherloc (09022015). Collection method: clinical testing. Allele origin: germline.
Comment: This sequence change replaces valine, which is neutral and non-polar, with alanine, which is neutral and non-polar, at codon 143 of the ELOVL4 protein (p.Val143Ala). This variant is not present in population databases (gnomAD no frequency). This variant has not been reported in the literature in individuals affected with ELOVL4-related conditions. ClinVar contains an entry for this variant (Variation ID: 1349505). Invitae Evidence Modeling of protein sequence and biophysical properties (such as structural, functional, and spatial information, amino acid conservation, physicochemical variation, residue mobility, and thermodynamic stability) indicates that this missense variant is not expected to disrupt ELOVL4 protein function with a negative predictive value of 80%. In summary, the available evidence is currently insufficient to determine the role of this variant in disease. Therefore, it has been classified as a Variant of Uncertain Significance.